The following is an entry in ClinVar:

NM_003242.6(TGFBR2):c.630G>A (p.Met210Ile)

Gene: TGFBR2 (transforming growth factor beta receptor 2; plus strand). Cytogenetic location: 3p24.1.
Variant type: single nucleotide variant.
Coding change: c.630G>A on transcript NM_003242.6 (MANE Select); coding-DNA position 630, G replaced by A.
Protein change: p.Met210Ile; replaces methionine 210 with isoleucine.
Molecular consequence: missense variant.
Genome position (GRCh38, 1-based): chr3:30,671,813, G>A. VCF-style: chr3-30671813-G-A. GRCh37 (hg19) VCF-style: chr3-30713305-G-A.
Other names: c.705G>A, p.Met235Ile (NM_001024847.3); c.813G>A, p.Met271Ile (NM_001407126.1); c.738G>A, p.Met246Ile (NM_001407127.1); c.657G>A, p.Met219Ile (NM_001407128.1); c.633G>A, p.Met211Ile (NM_001407129.1); c.630G>A, p.Met210Ile (NM_001407130.1); c.525G>A, p.Met175Ile (NM_001407132.1, NM_001407133.1, NM_001407134.1 and 2 more transcripts); c.345G>A, p.Met115Ile (NM_001407137.1); and 1 more; short protein forms M210I, M235I, M211I, M219I, M90I, M115I, M246I, M271I.
Identifiers: ClinVar variation 922021 (VCV000922021.8), dbSNP rs1699343672, ClinGen allele CA351807518.
Genomic context (GRCh38, chr3:30,671,813, plus strand): 5'-CGTTAACCGGCAGCAGAAGCTGAGTTCAACCTGGGAAACCGGCAAGACGCGGAAGCTCAT[G>A]GAGTTCAGCGAGCACTGTGCCATCATCCTGGAAGATGACCGCTCTGACATCAGCTCCACG-3'
Protein context (NP_003233.4, residues 200-220): TWETGKTRKL[Met210Ile]EFSEHCAIIL

ClinVar aggregate classification (germline): Uncertain significance. Review status: criteria provided, multiple submitters, no conflicts (2 of 4 stars). 2 submissions from 2 submitters: Uncertain significance (2). Last evaluated 2024-03-06.

Conditions:
Familial thoracic aortic aneurysm and aortic dissection (TAAD). Also called: Thoracic aortic aneurysms and dissections. Identifiers: Orphanet 91387, MedGen C4707243, MONDO:0019625.

Allele frequency attached by ClinVar (database versions not stated): gnomAD exomes below 0.00001.
gnomAD v4.1: 2 of 1,614,194 alleles (0.00012%); highest among the groups gnomAD compares: Non-Finnish European, 0.000085%; no homozygotes.

Submissions (2):

Color Diagnostics, LLC DBA Color Health
Classification: Uncertain significance for Familial thoracic aortic aneurysm and aortic dissection. Last evaluated: 2024-03-06. Review status: criteria provided, single submitter. Criteria: ACMG Guidelines, 2015. Collection method: clinical testing. Allele origin: germline.
Comment: This variant is located in the TGFBR2 protein. Computational prediction suggests that this variant may not impact protein structure and function (internally defined REVEL score threshold <= 0.5, PMID: 27666373). To our knowledge, functional studies have not been reported for this variant. This variant has not been reported in individuals affected with cardiovascular disorders in the literature. This variant has not been identified in the general population by the Genome Aggregation Database (gnomAD). The available evidence is insufficient to determine the role of this variant in disease conclusively. Therefore, this variant is classified as a Variant of Uncertain Significance.

Labcorp Genetics (formerly Invitae), Labcorp
Classification: Uncertain significance for Familial thoracic aortic aneurysm and aortic dissection. Last evaluated: 2021-10-14. Review status: criteria provided, single submitter. Criteria: Invitae Variant Classification Sherloc (09022015). Collection method: clinical testing. Allele origin: germline.
Comment: This sequence change replaces methionine with isoleucine at codon 210 of the TGFBR2 protein (p.Met210Ile). The methionine residue is moderately conserved and there is a small physicochemical difference between methionine and isoleucine. This variant is not present in population databases (ExAC no frequency). This variant has been observed in individual(s) with TGFBR2-related conditions (Invitae). ClinVar contains an entry for this variant (Variation ID: 922021). Advanced modeling of protein sequence and biophysical properties (such as structural, functional, and spatial information, amino acid conservation, physicochemical variation, residue mobility, and thermodynamic stability) performed at Invitae indicates that this missense variant is not expected to disrupt TGFBR2 protein function. In summary, the available evidence is currently insufficient to determine the role of this variant in disease. Therefore, it has been classified as a Variant of Uncertain Significance.